The following is an entry in ClinVar:

NM_006904.7(PRKDC):c.1123G>C (p.Val375Leu)

Gene: PRKDC (protein kinase, DNA-activated, catalytic subunit; minus strand). Cytogenetic location: 8q11.21.
Variant type: single nucleotide variant.
Coding change: c.1123G>C on transcript NM_006904.7 (MANE Select); coding-DNA position 1123, G replaced by C.
Protein change: p.Val375Leu; replaces valine 375 with leucine.
Molecular consequence: missense variant.
Genome position (GRCh38, 1-based): chr8:47,936,508, C>G on the plus strand (G>C on the coding strand, the complement: PRKDC is on the minus strand). VCF-style: chr8-47936508-C-G. GRCh37 (hg19) VCF-style: chr8-48849068-C-G.
Other names: c.1123G>C, p.Val375Leu (NM_001081640.2); short protein forms V375L.
Identifiers: ClinVar variation 936328 (VCV000936328.9), dbSNP rs763664375, ClinGen allele CA4741803.
Genomic context (GRCh38, chr8:47,936,508, plus strand): 5'-TCTGCTTGCAGCGCTGAATGAGCTCAACGTACATGAAGTCAACATCTTTTGCGTTTATAA[C>G]CTTGCACGGCTTTAGAAAAGGTAAAACAGAAGTCTTCATCAATCTTATCAAGATCAAAAT-3'
Protein context (NP_008835.5, residues 365-385): GYGLFAGPCK[Val375Leu]INAKDVDFMY

ClinVar aggregate classification (germline): Uncertain significance. Review status: criteria provided, multiple submitters, no conflicts (2 of 4 stars). 2 submissions from 2 submitters: Uncertain significance (2). Last evaluated 2023-06-01.

Conditions:
Severe combined immunodeficiency due to DNA-PKcs deficiency. Also called: IMMUNODEFICIENCY 26 WITH NEUROLOGIC ABNORMALITIES; Immunodeficiency 26 with or without neurologic abnormalities. Identifiers: Orphanet 317425, MedGen C4014833, MONDO:0014423, OMIM 615966.

Allele frequency attached by ClinVar (database versions not stated): TOPMed 0.00005.
gnomAD v4.1: 46 of 1,613,836 alleles (0.0029%); highest among the groups gnomAD compares: Non-Finnish European, 0.0035%; no homozygotes.

Submissions (2):

Ambry Genetics
Classification: Uncertain significance. Last evaluated: 2023-06-01. Review status: criteria provided, single submitter. Criteria: Ambry Variant Classification Scheme 2023. Collection method: clinical testing. Allele origin: germline.

Labcorp Genetics (formerly Invitae), Labcorp
Classification: Uncertain significance for Severe combined immunodeficiency due to DNA-PKcs deficiency. Last evaluated: 2022-08-23. Review status: criteria provided, single submitter. Criteria: Invitae Variant Classification Sherloc (09022015). Collection method: clinical testing. Allele origin: germline.
Comment: This sequence change replaces valine, which is neutral and non-polar, with leucine, which is neutral and non-polar, at codon 375 of the PRKDC protein (p.Val375Leu). This variant is present in population databases (rs763664375, gnomAD 0.002%). In summary, the available evidence is currently insufficient to determine the role of this variant in disease. Therefore, it has been classified as a Variant of Uncertain Significance. ClinVar contains an entry for this variant (Variation ID: 936328). This variant has not been reported in the literature in individuals affected with PRKDC-related conditions.